The following continues an entry in ClinVar:

NM_000199.5(SGSH):c.1339G>A (p.Glu447Lys)

Gene: SGSH. ClinVar aggregate classification (germline): Pathogenic/Likely pathogenic. Pathogenic (8); Likely pathogenic (7).

Submissions 9 to 17 of 17:

GeneDx
Classification: Pathogenic. Last evaluated: 2022-09-16. Review status: criteria provided, single submitter. Criteria: GeneDx Variant Classification Process June 2021. Collection method: clinical testing. Allele origin: germline. Affected: yes.
Comment: In silico analysis supports that this missense variant has a deleterious effect on protein structure/function; This variant is associated with the following publications: (PMID: 18254660, 21228398, 25807448, 30809705, 11668611, 24347096, 24816101, 19099774, 11343308, 9158154)

Genome-Nilou Lab
Classification: Likely pathogenic for Mucopolysaccharidosis, MPS-III-A. Last evaluated: 2021-11-07. Review status: criteria provided, single submitter. Criteria: ACMG Guidelines, 2015. Collection method: clinical testing. Allele origin: germline. Affected: no.

Laboratory of Diagnosis and Therapy of Lysosomal Disorders, University of Padova
Classification: Likely pathogenic for Mucopolysaccharidosis, MPS-III-A. Last evaluated: 2019-01-01. Review status: criteria provided, single submitter. Criteria: ACMG Guidelines, 2015. Collection method: literature only. Allele origin: germline. Affected: yes.
Comment: PS3: Low in vivo enzymatic activity in homozygotes; PM2: Very low frequency in GnomAD

Eurofins Ntd Llc (ga)
Classification: Pathogenic. Last evaluated: 2018-08-17. Review status: criteria provided, single submitter. Criteria: EGL ClinVar v180209 classification definitions. Collection method: clinical testing. Allele origin: germline. Observed: 2 variant alleles, 1 heterozygote, 1 homozygote.

Illumina Laboratory Services, Illumina
Classification: Likely pathogenic for Mucopolysaccharidosis, MPS-III-A. Last evaluated: 2017-04-27. Review status: criteria provided, single submitter. Criteria: ICSL Variant Classification Criteria 09 May 2019. Collection method: clinical testing. Allele origin: germline.
Comment: The SGSH c.1339G>A (p.Glu447Lys) variant has been reported in three studies and is found in a total of five individuals with mucopolysaccharidosis including two in a homozygous state and three in a compound heterozygous state (including two siblings who carried a canonical splice site (donor) variant on the second allele) (Blanch et al. 1997; Chabas et al. 2001; Shapiro et al. 2016). The p.Glu447Lys variant was absent from 120 control alleles (Blanch et al. 1997) and is reported at a frequency of 0.00002 in the total population of the Exome Aggregation Consortium. Based on the evidence, the p.Glu447Lys variant is classified as likely pathogenic for mucopolysaccharidosis, type III. This variant was observed by ICSL as part of a predisposition screen in an ostensibly healthy population.

Foundation for Research in Genetics and Endocrinology, FRIGE's Institute of Human Genetics
Classification: Likely pathogenic for Mucopolysaccharidosis, MPS-III-A. Review status: criteria provided, single submitter. Criteria: ACMG Guidelines, 2015. Collection method: clinical testing. Allele origin: germline. Inheritance: Autosomal recessive inheritance. Affected: yes. Observed: 1 homozygote.
Comment: The homozygous missense variation in exon 8 of SGSH gene that results in the amino acid substitution to lysine for glutamic acis at codon of 447 was detected. The variant c.1339G>A (p.Glu447Lys) has not been reported in 1000 genome and has a MAF of 0.007% in the gnomAD database. The insilico prediction of the variant is dIsease causing by MutationTaster, CADD , PROVEAN and SIFT.

Lifecell International Pvt. Ltd
Classification: Likely pathogenic for Mucopolysaccharidosis, MPS-III-A. Review status: criteria provided, single submitter. Criteria: ACMG Guidelines, 2015. Collection method: clinical testing. Allele origin: germline. Inheritance: Autosomal recessive inheritance. Affected: yes. Observed: 1 homozygote.
Comment: A Homozygote Missense variant c.1339G>A in Exon 8 of the SGSH gene that results in the amino acid substitution p.Glu447Lys was identified. The observed variant has a maximum allele frequency of 0.00007/0.00003% in gnomAD exomes and genomes, respectively. The severity of the impact of this variant on the protein is medium, based on the effect of the protein and REVEL score . Rare Exome Variant Ensemble Learner (REVEL) is an ensembl method for predicting the pathogenicity of missense variants based on a combination of scores from 13 individual tools: MutPred, FATHMM v2.3, VEST 3.0, PolyPhen-2, SIFT, PROVEAN, MutationAssessor, MutationTaster, LRT, GERP++, SiPhy, phyloP, and phastCons. The REVEL score for an individual missense variant can range from 0 to 1, with higher scores reflecting greater likelihood that the variant is disease-causing. ClinVar has also classified this variant as Pathogenic and LikelyPathogenic (Variant ID: 5114). This variant was reported among patients affected by mucopolysaccharidosis (Zanetti A et al, 2010). Based on the above evidence this variant has been classified as Likely Pathogenic according to the ACMG guidelines.

Counsyl
Classification: Likely pathogenic for Mucopolysaccharidosis, MPS-III-A. Last evaluated: 2017-05-24. Review status: no assertion criteria provided. Collection method: clinical testing. Allele origin: unknown. Not counted in ClinVar's aggregate classification.

OMIM
Classification: Pathogenic for MUCOPOLYSACCHARIDOSIS, TYPE IIIA. Last evaluated: 1997-05-01. Review status: no assertion criteria provided. Collection method: literature only. Allele origin: germline. Not counted in ClinVar's aggregate classification.

Literature cited by the submitters: PubMed 9158154 (cited by 9 submitters); PubMed 11343308 (cited by 5 submitters); PubMed 24347096 (cited by 3 submitters); PubMed 24816101 (cited by 3 submitters); PubMed 26787381 (cited by 5 submitters); PubMed 30809705 (cited by 5 submitters); PubMed 19099774 (cited by Labcorp Genetics (formerly Invitae), Labcorp); PubMed 21228398 (cited by Variantyx, Inc. and Counsyl); PubMed 25807448 (cited by Variantyx, Inc.).